The following is an entry in ClinVar:

ClinVar aggregate classification (germline): Uncertain significance (1 of 4 stars; one submission).

Allele frequency attached by ClinVar (database versions not stated): gnomAD exomes below 0.00001.
gnomAD v4.1: 1 of 1,614,236 alleles (0.000062%); highest among the groups gnomAD compares: Non-Finnish European, 0.000085%; no homozygotes.

Submission:

GeneDx
Classification: Uncertain significance. Last evaluated: 2022-09-07. Review status: criteria provided, single submitter. Criteria: GeneDx Variant Classification Process June 2021. Collection method: clinical testing. Allele origin: germline. Affected: yes.
Comment: Not observed at significant frequency in large population cohorts (gnomAD); In silico analysis supports that this missense variant has a deleterious effect on protein structure/function; Has not been previously published as pathogenic or benign to our knowledge

NM_022168.4(IFIH1):c.165C>A (p.Asn55Lys)

Gene: IFIH1 (interferon induced with helicase C domain 1; minus strand). Cytogenetic location: 2q24.2.
Variant type: single nucleotide variant.
Coding change: c.165C>A on transcript NM_022168.4 (MANE Select); coding-DNA position 165, C replaced by A.
Protein change: p.Asn55Lys; replaces asparagine 55 with lysine.
Molecular consequence: missense variant.
Genome position (GRCh38, 1-based): chr2:162,318,143, G>T on the plus strand (C>A on the coding strand, the complement: IFIH1 is on the minus strand). VCF-style: chr2-162318143-G-T. GRCh37 (hg19) VCF-style: chr2-163174653-G-T.
Other names: short protein forms N55K.
Identifiers: ClinVar variation 2443622 (VCV002443622.1), dbSNP rs770971752, ClinGen allele CA349014055.